The following is an entry in ClinVar:

ClinVar aggregate classification (germline): Likely benign. Review status: criteria provided, multiple submitters, no conflicts (2 of 4 stars). 3 submissions from 3 submitters: Likely benign (3). Last evaluated 2025-08-01.

Conditions:
Hereditary cancer-predisposing syndrome. Also called: Hereditary Cancer Syndrome; Tumor predisposition; Hereditary neoplastic syndrome; Neoplastic Syndromes, Hereditary. Identifiers: Orphanet 140162, MedGen C0027672, MeSH D009386, MONDO:0015356.
DICER1-related tumor predisposition. Also called: DICER1-related pleuropulmonary blastoma cancer predisposition syndrome; DICER1 syndrome. Identifiers: Orphanet 284343, MedGen C3839822, MONDO:0100216.

Allele frequency attached by ClinVar (database versions not stated): TOPMed below 0.00001; gnomAD 0.00001.
gnomAD v4.1: 1 of 1,614,060 alleles (0.000062%); highest among the groups gnomAD compares: Non-Finnish European, 0.000085%; no homozygotes.

Submissions (3):

CeGaT Center for Human Genetics Tuebingen
Classification: Likely benign. Last evaluated: 2025-08-01. Review status: criteria provided, single submitter. Criteria: CeGaT Center For Human Genetics Tuebingen Variant Classification Criteria Version 2. Collection method: clinical testing. Allele origin: germline. Affected: yes. Observed: 1 variant allele.
Comment: DICER1: BP4, BP7

Labcorp Genetics (formerly Invitae), Labcorp
Classification: Likely benign for DICER1-related tumor predisposition. Last evaluated: 2024-10-30. Review status: criteria provided, single submitter. Criteria: Invitae Variant Classification Sherloc (09022015). Collection method: clinical testing. Allele origin: germline.

Ambry Genetics
Classification: Likely benign for Hereditary cancer-predisposing syndrome. Last evaluated: 2018-05-21. Review status: criteria provided, single submitter. Criteria: Ambry Variant Classification Scheme 2023. Collection method: clinical testing. Allele origin: germline.

NM_177438.3(DICER1):c.2838T>C (p.Tyr946=)

Gene: DICER1 (dicer 1, ribonuclease III; minus strand). Cytogenetic location: 14q32.13.
Variant type: single nucleotide variant.
Coding change: c.2838T>C on transcript NM_177438.3 (MANE Select); coding-DNA position 2838, T replaced by C.
Protein change: p.Tyr946=; no amino-acid change (tyrosine 946 retained).
Molecular consequence: synonymous variant.
Genome position (GRCh38, 1-based): chr14:95,106,190, A>G on the plus strand (T>C on the coding strand, the complement: DICER1 is on the minus strand). VCF-style: chr14-95106190-A-G. GRCh37 (hg19) VCF-style: chr14-95572527-A-G.
Other names: c.2838T>C, p.Tyr946= (NM_001195573.1, NM_001271282.3, NM_001291628.2 and 1 more transcripts).
Identifiers: ClinVar variation 760997 (VCV000760997.21), dbSNP rs1185406502, ClinGen allele CA487844781.
Genomic context (GRCh38, chr14:95,106,190, plus strand): 5'-TTCATACTCAGGGGAAGGAAATTTACTGAGTGGGGTAAGATCAGTGTACACATCAGCTAC[A>G]TAAAATCGATGAGGCTGATCAAAATTGCGATATCTAAAAAAGAAAAACAAAAAAACAATC-3'
Protein context (NP_803187.1, residues 936-956): YRNFDQPHRF[Tyr946=]VADVYTDLTP